The following is an entry in ClinVar:

NM_002878.4(RAD51D):c.438C>T (p.Leu146=)

Genes: RAD51D (RAD51 paralog D; minus strand), RAD51L3-RFFL (RAD51L3-RFFL readthrough; minus strand). Cytogenetic location: 17q12.
Variant type: single nucleotide variant.
Coding change: c.438C>T on transcript NM_002878.4 (MANE Select); coding-DNA position 438, C replaced by T.
Protein change: p.Leu146=; no amino-acid change (leucine 146 retained).
Molecular consequence: synonymous variant. On other transcripts: non-coding transcript variant (1), intron variant (1).
Genome position (GRCh38, 1-based): chr17:35,107,030, G>A on the plus strand (C>T on the coding strand, the complement: RAD51D is on the minus strand). VCF-style: chr17-35107030-G-A. GRCh37 (hg19) VCF-style: chr17-33434049-G-A.
Other names: c.498C>T, p.Leu166= (NM_001142571.2); c.145-549C>T (NM_133629.3).
Identifiers: ClinVar variation 416195 (VCV000416195.14), dbSNP rs145452047, ClinGen allele CA8499476.

ClinVar aggregate classification (germline): Benign/Likely benign. Review status: criteria provided, multiple submitters, no conflicts (2 of 4 stars). 4 submissions from 4 submitters: Benign (1); Likely benign (3). Last evaluated 2025-11-18.

Conditions:
Hereditary cancer-predisposing syndrome. Also called: Tumor predisposition; Neoplastic Syndromes, Hereditary; Hereditary neoplastic syndrome; Hereditary Cancer Syndrome. Identifiers: Orphanet 140162, MedGen C0027672, MeSH D009386, MONDO:0015356.
Breast-ovarian cancer, familial, susceptibility to, 4. Identifiers: Orphanet 145, MedGen C3280345, MONDO:0013669, OMIM 614291.

Allele frequency attached by ClinVar (database versions not stated): gnomAD exomes below 0.00001; ExAC 0.00001; TOPMed 0.00002; ESP Exome Variant Server 0.00008.
gnomAD v4.1: 1 of 1,614,038 alleles (0.000062%); highest among the groups gnomAD compares: African/African-American, 0.0013%; no homozygotes.

Submissions (4):

Labcorp Genetics (formerly Invitae), Labcorp
Classification: Likely benign for Breast-ovarian cancer, familial, susceptibility to, 4. Last evaluated: 2025-11-18. Review status: criteria provided, single submitter. Criteria: Invitae Variant Classification Sherloc (09022015). Collection method: clinical testing. Allele origin: germline.

Myriad Genetics, Inc.
Classification: Benign for Breast-ovarian cancer, familial, susceptibility to, 4. Last evaluated: 2025-02-21. Review status: criteria provided, single submitter. Criteria: Myriad Autosomal Dominant, Autosomal Recessive and X-Linked Classification Criteria (2023). Collection method: clinical testing. Allele origin: unknown.
Comment: This variant is considered benign. This variant is a silent/synonymous amino acid change and it is not expected to impact splicing.

Color Diagnostics, LLC DBA Color Health
Classification: Likely benign for Hereditary cancer-predisposing syndrome. Last evaluated: 2024-08-07. Review status: criteria provided, single submitter. Criteria: ACMG Guidelines, 2015. Collection method: clinical testing. Allele origin: germline.

Ambry Genetics
Classification: Likely benign for Hereditary cancer-predisposing syndrome. Last evaluated: 2017-09-07. Review status: criteria provided, single submitter. Criteria: Ambry Variant Classification Scheme 2023. Collection method: clinical testing. Allele origin: germline.